The following is an entry in ClinVar:

NM_005629.4(SLC6A8):c.1864G>A (p.Val622Met)

Gene: SLC6A8 (solute carrier family 6 member 8; plus strand). Cytogenetic location: Xq28.
Variant type: single nucleotide variant.
Coding change: c.1864G>A on transcript NM_005629.4 (MANE Select); coding-DNA position 1864, G replaced by A.
Protein change: p.Val622Met; replaces valine 622 with methionine.
Molecular consequence: missense variant.
Genome position (GRCh38, 1-based): chrX:153,695,170, G>A. VCF-style: chrX-153695170-G-A. GRCh37 (hg19) VCF-style: chrX-152960625-G-A.
Other names: c.1834G>A, p.Val612Met (NM_001142805.2); c.1519G>A, p.Val507Met (NM_001142806.1); short protein forms V507M, V612M, V622M.
Identifiers: ClinVar variation 3667979 (VCV003667979.2).
Genomic context (GRCh38, chrX:153,695,170, plus strand): 5'-CACCACTTGGAGTACCGAGCTCAGGACGCAGATGTCAGGGGCCTGACCACCCTGACCCCA[G>A]TGTCCGAGAGCAGCAAGGTCGTCGTGGTGGAGAGTGTCATGTGACAACTCAGCTCACATC-3'
Protein context (NP_005620.1, residues 612-632): DVRGLTTLTP[Val622Met]SESSKVVVVE

ClinVar aggregate classification (germline): Uncertain significance (1 of 4 stars; one submission).

Conditions:
Creatine transporter deficiency (CCDS1). Also called: Mental retardation , X-linked with seizures, short stature and midface hypoplasia; Mental retardation , X-linked, with creatine transport deficiency; X-linked creatine transporter deficiency; X-linked creatine deficiency syndrome; SLC6A8-Related Creatine Transporter Deficiency; CREATINE TRANSPORTER DEFECT. Identifiers: Orphanet 52503, MedGen C1845862, MONDO:0010305, OMIM 300352.

gnomAD v4.1: 2 of 1,192,776 alleles (0.00017%); highest among the groups gnomAD compares: African/African-American, 0.0035%; no homozygotes.

Submission:

Labcorp Genetics (formerly Invitae), Labcorp
Classification: Uncertain significance for Creatine transporter deficiency. Last evaluated: 2025-01-06. Review status: criteria provided, single submitter. Criteria: Invitae Variant Classification Sherloc (09022015). Collection method: clinical testing. Allele origin: germline.
Comment: This sequence change replaces valine, which is neutral and non-polar, with methionine, which is neutral and non-polar, at codon 622 of the SLC6A8 protein (p.Val622Met). This variant is not present in population databases (gnomAD no frequency). This variant has not been reported in the literature in individuals affected with SLC6A8-related conditions. Invitae Evidence Modeling of protein sequence and biophysical properties (such as structural, functional, and spatial information, amino acid conservation, physicochemical variation, residue mobility, and thermodynamic stability) indicates that this missense variant is not expected to disrupt SLC6A8 protein function with a negative predictive value of 95%. In summary, the available evidence is currently insufficient to determine the role of this variant in disease. Therefore, it has been classified as a Variant of Uncertain Significance.